The following is an entry in ClinVar:

ClinVar aggregate classification (germline): Uncertain significance. Review status: criteria provided, multiple submitters, no conflicts (2 of 4 stars). 2 submissions from 2 submitters: Uncertain significance (2). Last evaluated 2025-10-28.

Conditions:
Dyskeratosis congenita. Identifiers: Orphanet 1775, MedGen C0265965, MONDO:0015780.
Idiopathic Pulmonary Fibrosis. Also called: Idiopathic fibrosing alveolitis, chronic form; idiopathic fibrosing alveolitis. Identifiers: Orphanet 2032, MedGen C1800706, MeSH D054990, MONDO:0800504.
Dyskeratosis congenita, autosomal dominant 2. Identifiers: MedGen C3151443, MONDO:0013521, OMIM 613989.

Allele frequency attached by ClinVar (database versions not stated): TOPMed below 0.00001; gnomAD 0.00001.
gnomAD v4.1: 1 of 1,590,662 alleles (0.000063%); highest among the groups gnomAD compares: Non-Finnish European, 0.000085%; no homozygotes.

Submissions (2):

Ambry Genetics
Classification: Uncertain significance for Dyskeratosis congenita. Last evaluated: 2025-10-28. Review status: criteria provided, single submitter. Criteria: Ambry Variant Classification Scheme 2023. Collection method: clinical testing. Allele origin: germline.
Comment: The p.V272M variant (also known as c.814G>A), located in coding exon 2 of the TERT gene, results from a G to A substitution at nucleotide position 814. The valine at codon 272 is replaced by methionine, an amino acid with highly similar properties. This amino acid position is conserved. In addition, this alteration is predicted to be tolerated by in silico analysis. Based on the available evidence, the clinical significance of this variant remains unclear.

Labcorp Genetics (formerly Invitae), Labcorp
Classification: Uncertain significance for Dyskeratosis congenita, autosomal dominant 2; Idiopathic Pulmonary Fibrosis. Last evaluated: 2019-09-09. Review status: criteria provided, single submitter. Criteria: Invitae Variant Classification Sherloc (09022015). Collection method: clinical testing. Allele origin: germline.
Comment: This sequence change replaces valine with methionine at codon 272 of the TERT protein (p.Val272Met). The valine residue is weakly conserved and there is a small physicochemical difference between valine and methionine. In summary, the available evidence is currently insufficient to determine the role of this variant in disease. Therefore, it has been classified as a Variant of Uncertain Significance. Algorithms developed to predict the effect of missense changes on protein structure and function are either unavailable or do not agree on the potential impact of this missense change (SIFT: "Tolerated"; PolyPhen-2: "Possibly Damaging"; Align-GVGD: "Class C0"). This variant has not been reported in the literature in individuals with TERT-related conditions. This variant is not present in population databases (ExAC no frequency).

NM_198253.3(TERT):c.814G>A (p.Val272Met)

Gene: TERT (telomerase reverse transcriptase; minus strand). Cytogenetic location: 5p15.33.
Variant type: single nucleotide variant.
Coding change: c.814G>A on transcript NM_198253.3 (MANE Select); coding-DNA position 814, G replaced by A.
Protein change: p.Val272Met; replaces valine 272 with methionine.
Molecular consequence: missense variant. On other transcripts: non-coding transcript variant (2).
Genome position (GRCh38, 1-based): chr5:1,294,072, C>T on the plus strand (G>A on the coding strand, the complement: TERT is on the minus strand). VCF-style: chr5-1294072-C-T. GRCh37 (hg19) VCF-style: chr5-1294187-C-T.
Other names: c.814G>A, p.Val272Met (NM_001193376.3); short protein forms V272M.
Identifiers: ClinVar variation 936939 (VCV000936939.11), dbSNP rs1751201506, ClinGen allele CA359056670.